The following is an entry in ClinVar:

ClinVar aggregate classification (germline): Uncertain significance (1 of 4 stars; one submission).

Conditions:
Hereditary cancer-predisposing syndrome. Also called: Tumor predisposition; Neoplastic Syndromes, Hereditary; Hereditary Cancer Syndrome; Hereditary neoplastic syndrome. Identifiers: Orphanet 140162, MedGen C0027672, MeSH D009386, MONDO:0015356.

Allele frequency attached by ClinVar (database versions not stated): gnomAD exomes below 0.00001.
gnomAD v4.1: 1 of 1,610,864 alleles (0.000062%); highest among the groups gnomAD compares: Non-Finnish European, 0.000085%; no homozygotes.

Submission:

Labcorp Genetics (formerly Invitae), Labcorp
Classification: Uncertain significance for Hereditary cancer-predisposing syndrome. Last evaluated: 2022-06-21. Review status: criteria provided, single submitter. Criteria: Invitae Variant Classification Sherloc (09022015). Collection method: clinical testing. Allele origin: germline.
Comment: This variant is not present in population databases (gnomAD no frequency). This sequence change replaces alanine, which is neutral and non-polar, with glycine, which is neutral and non-polar, at codon 188 of the RAD50 protein (p.Ala188Gly). In summary, the available evidence is currently insufficient to determine the role of this variant in disease. Therefore, it has been classified as a Variant of Uncertain Significance. Algorithms developed to predict the effect of missense changes on protein structure and function (SIFT, PolyPhen-2, Align-GVGD) all suggest that this variant is likely to be disruptive. This variant has not been reported in the literature in individuals affected with RAD50-related conditions.

NM_005732.4(RAD50):c.563C>G (p.Ala188Gly)

Gene: RAD50 (RAD50 double strand break repair protein; plus strand). Cytogenetic location: 5q31.1.
Variant type: single nucleotide variant.
Coding change: c.563C>G on transcript NM_005732.4 (MANE Select); coding-DNA position 563, C replaced by G.
Protein change: p.Ala188Gly; replaces alanine 188 with glycine.
Molecular consequence: missense variant.
Genome position (GRCh38, 1-based): chr5:132,579,873, C>G. VCF-style: chr5-132579873-C-G. GRCh37 (hg19) VCF-style: chr5-131915565-C-G.
Other names: short protein forms A188G.
Identifiers: ClinVar variation 2007242 (VCV002007242.4), dbSNP rs1290120814, ClinGen allele CA360935469.
Genomic context (GRCh38, chr5:132,579,873, plus strand): 5'-CCATAATTTACTTTGCCAGAAATTTGATTTTTGTTTCATATCTTCAAAGATACATTAAAG[C>G]CTTAGAAACACTTCGGCAGGTACGTCAGACACAAGGTCAGAAAGTAAAAGAATATCAAAT-3'
Protein context (NP_005723.2, residues 178-198): EIFSATRYIK[Ala188Gly]LETLRQVRQT